The following is an entry in ClinVar:

NM_016333.4(SRRM2):c.1037C>T (p.Ser346Phe)

Gene: SRRM2 (serine/arginine repetitive matrix 2; plus strand). Cytogenetic location: 16p13.3.
Variant type: single nucleotide variant.
Coding change: c.1037C>T on transcript NM_016333.4 (MANE Select); coding-DNA position 1037, C replaced by T.
Protein change: p.Ser346Phe; replaces serine 346 with phenylalanine.
Molecular consequence: missense variant.
Genome position (GRCh38, 1-based): chr16:2,761,565, C>T. VCF-style: chr16-2761565-C-T. GRCh37 (hg19) VCF-style: chr16-2811566-C-T.
Other names: short protein forms S346F.
Identifiers: ClinVar variation 1686338 (VCV001686338.14), dbSNP rs149019598, ClinGen allele CA7847145.

ClinVar aggregate classification (germline): Benign. Review status: criteria provided, multiple submitters, no conflicts (2 of 4 stars). 2 submissions from 2 submitters: Benign (2). Last evaluated 2026-08-01.

Allele frequency attached by ClinVar (database versions not stated): ExAC 0.00060; ESP Exome Variant Server 0.00062; gnomAD 0.00073 and 0.00074; TOPMed 0.00082; 1000 Genomes Project 30x 0.00016; 1000 Genomes Project 0.00020; gnomAD exomes 0.00057.
gnomAD v4.1: 1,333 of 1,503,058 alleles (0.089%); highest among the groups gnomAD compares: Non-Finnish European, 0.11%; 3 homozygotes.

Submissions (2):

CeGaT Center for Human Genetics Tuebingen
Classification: Benign. Last evaluated: 2026-08-01. Review status: criteria provided, single submitter. Criteria: CeGaT Center For Human Genetics Tuebingen Variant Classification Criteria Version 2. Collection method: clinical testing. Allele origin: germline. Affected: yes. Observed: 5 variant alleles.
Comment: SRRM2: BP4, BS1, BS2

Mendelics
Classification: Benign. Last evaluated: 2022-05-04. Review status: criteria provided, single submitter. Criteria: Mendelics Assertion Criteria 2019. Collection method: clinical testing. Allele origin: germline.